The following is an entry in ClinVar:

NM_025132.4(WDR19):c.3707G>A (p.Gly1236Glu)

Gene: WDR19 (WD repeat domain 19; plus strand). Cytogenetic location: 4p14.
Variant type: single nucleotide variant.
Coding change: c.3707G>A on transcript NM_025132.4 (MANE Select); coding-DNA position 3707, G replaced by A.
Protein change: p.Gly1236Glu; replaces glycine 1236 with glutamic acid.
Molecular consequence: missense variant.
Genome position (GRCh38, 1-based): chr4:39,274,949, G>A. VCF-style: chr4-39274949-G-A. GRCh37 (hg19) VCF-style: chr4-39276569-G-A.
Other names: c.3227G>A, p.Gly1076Glu (NM_001317924.2); short protein forms G1236E, G1076E.
Identifiers: ClinVar variation 618492 (VCV000618492.22), dbSNP rs141039852, ClinGen allele CA2892447.

ClinVar aggregate classification (germline): Conflicting classifications of pathogenicity. Review status: criteria provided, conflicting classifications (1 of 4 stars). 4 submissions from 4 submitters: Uncertain significance (1); Likely benign (3). Last evaluated 2025-12-31.

Conditions:
WDR19-related disorder. Also called: WDR19-related condition; WDR19-related disorders. Identifiers: MedGen CN380161.
Senior-Loken syndrome 8 (SLSN8). Identifiers: Orphanet 3156, MedGen C4225376, MONDO:0014579, OMIM 616307.
Asphyxiating thoracic dystrophy 5 (SRTD5). Also called: SHORT-RIB THORACIC DYSPLASIA 5 WITH OR WITHOUT POLYDACTYLY; SHORT-RIB THORACIC DYSPLASIA 5 WITHOUT POLYDACTYLY. Identifiers: Orphanet 474, MedGen C3280598, MONDO:0013717, OMIM 614376.

Allele frequency attached by ClinVar (database versions not stated): ExAC 0.00015; gnomAD 0.00041 and 0.00043; TOPMed 0.00055; 1000 Genomes Project 0.00060; 1000 Genomes Project 30x 0.00062; ESP Exome Variant Server 0.00116.
gnomAD v4.1: 111 of 1,613,986 alleles (0.0069%); highest among the groups gnomAD compares: African/African-American, 0.14%; no homozygotes.

Submissions (4):

Labcorp Genetics (formerly Invitae), Labcorp
Classification: Likely benign for Senior-Loken syndrome 8; Asphyxiating thoracic dystrophy 5. Last evaluated: 2025-12-31. Review status: criteria provided, single submitter. Criteria: Invitae Variant Classification Sherloc (09022015). Collection method: clinical testing. Allele origin: germline.

PreventionGenetics, part of Exact Sciences
Classification: Likely benign for WDR19-related condition. Last evaluated: 2025-06-16. Review status: criteria provided, single submitter. Criteria: ACMG Guidelines, 2015. Collection method: clinical testing. Allele origin: germline.
Comment: This variant is classified as likely benign based on ACMG/AMP sequence variant interpretation guidelines (Richards et al. 2015 PMID: 25741868, with internal and published modifications).

Blueprint Genetics
Classification: Likely benign. Last evaluated: 2023-07-27. Review status: criteria provided, single submitter. Criteria: ACMG Guidelines, 2015. Collection method: clinical testing. Allele origin: germline.

ARUP Laboratories, Molecular Genetics and Genomics, ARUP Laboratories
Classification: Uncertain significance. Last evaluated: 2019-10-28. Review status: criteria provided, single submitter. Criteria: ARUP Molecular Germline Variant Investigation Process. Collection method: clinical testing. Allele origin: germline.
Comment: The WDR19 c.3707G>A; p.Gly1236Glu variant (rs141039852), to our knowledge, is not reported in the medical literature but is reported in ClinVar (Variation ID: 618492). This variant is found in the African population with an overall allele frequency of 0.16% (38/24188 alleles, including one homozygote) in the Genome Aggregation Database. The glycine at codon 1236 is weakly conserved, but computational analyses (SIFT: damaging, PolyPhen-2: benign) predict conflicting effects of this variant on protein structure/function. Due to limited information, the clinical significance of the p.Gly1236Glu variant is uncertain at this time.